The following is an entry in ClinVar:

ClinVar aggregate classification (germline): Uncertain significance (1 of 4 stars; one submission).

Submission:

Labcorp Genetics (formerly Invitae), Labcorp
Classification: Uncertain significance. Last evaluated: 2025-04-08. Review status: criteria provided, single submitter. Criteria: Invitae Variant Classification Sherloc (09022015). Collection method: clinical testing. Allele origin: germline.
Comment: This variant, c.16087_16098dup, results in the insertion of 4 amino acid(s) of the MACF1 protein (p.Gly5363_Ala5366dup), but otherwise preserves the integrity of the reading frame. This variant is present in population databases (rs748028144, gnomAD 0.01%). This variant has not been reported in the literature in individuals affected with MACF1-related conditions. In summary, the available evidence is currently insufficient to determine the role of this variant in disease. Therefore, it has been classified as a Variant of Uncertain Significance.

NM_001394062.1(MACF1):c.22450GGGAGTCGAGCC[3] (p.Ala7491_Ser7492insGlySerArgAla)

Gene: MACF1 (microtubule actin crosslinking factor 1; plus strand). Cytogenetic location: 1p34.3.
Variant type: Microsatellite.
Coding change: c.22450GGGAGTCGAGCC[3] on transcript NM_001394062.1 (MANE Select); three copies in a row of the 12-base unit GGGAGTCGAGCC starting at c.22450; the reference has two copies in a row; one copy, 12 bases duplicated.
Protein change: p.Ala7491_Ser7492insGlySerArgAla.
Molecular consequence: inframe insertion.
Genome position (GRCh38, 1-based): chr1:39,485,588-39,485,599, GGGAGTCGAGCC duplicated; duplicating any 12 consecutive bases within chr1:39,485,576-39,485,599 gives the same sequence; the position shown is the placement nearest the transcript's 3' end. VCF-style (leftmost placement, unchanged base first): chr1-39485575-T-TGGGAGTCGAGCC. GRCh37 (hg19) VCF-style: chr1-39951247-T-TGGGAGTCGAGCC.
Other names: c.10330GGGAGTCGAGCC[3], p.Ala3451_Ser3452insGlySerArgAla (NM_001397473.1); c.16075GGGAGTCGAGCC[3], p.Ala5366_Ser5367insGlySerArgAla (NM_012090.5).
Identifiers: ClinVar variation 4753650 (VCV004753650.1).